The following is an entry in ClinVar:

NM_001273.5(CHD4):c.4350C>T (p.Gly1450=)

Genes: CHD4 (chromodomain helicase DNA binding protein 4; minus strand), CHD4-AS1 (CHD4 antisense RNA 1; plus strand). Cytogenetic location: 12p13.31.
Variant type: single nucleotide variant.
Coding change: c.4350C>T on transcript NM_001273.5 (MANE Select); coding-DNA position 4350, C replaced by T.
Protein change: p.Gly1450=; no amino-acid change (glycine 1450 retained).
Molecular consequence: synonymous variant.
Genome position (GRCh38, 1-based): chr12:6,582,635, G>A on the plus strand (C>T on the coding strand, the complement: CHD4 is on the minus strand). VCF-style: chr12-6582635-G-A. GRCh37 (hg19) VCF-style: chr12-6691801-G-A.
Other names: c.4329C>T, p.Gly1443= (NM_001297553.2); c.4311C>T, p.Gly1437= (NM_001363606.2).
Identifiers: ClinVar variation 1476800 (VCV001476800.6), dbSNP rs2136203056, ClinGen allele CA478509242.
Genomic context (GRCh38, chr12:6,582,635, plus strand): 5'-GCCCTTGCTCTAGATCAGTCCACTCCAGCCCTCAACTCACTTGAACTCTTTCTCTGATTT[G>A]CCTCGCAGGTCTCTTACAAGCCACTGGGTAGTAAAAGCATCCTGAGGTGGCATACCATAT-3'
Protein context (NP_001264.2, residues 1440-1460): TTQWLVRDLR[Gly1450=]KSEKEFKAYV

ClinVar aggregate classification (germline): Uncertain significance (1 of 4 stars; one submission).

Submission:

Labcorp Genetics (formerly Invitae), Labcorp
Classification: Uncertain significance. Last evaluated: 2021-09-24. Review status: criteria provided, single submitter. Criteria: Invitae Variant Classification Sherloc (09022015). Collection method: clinical testing. Allele origin: germline.
Comment: In summary, the available evidence is currently insufficient to determine the role of this variant in disease. Therefore, it has been classified as a Variant of Uncertain Significance. Algorithms developed to predict the effect of sequence changes on RNA splicing suggest that this variant may create or strengthen a splice site. This variant has not been reported in the literature in individuals affected with CHD4-related conditions. This variant is not present in population databases (ExAC no frequency). This sequence change affects codon 1450 of the CHD4 mRNA. It is a 'silent' change, meaning that it does not change the encoded amino acid sequence of the CHD4 protein.